The following is an entry in ClinVar:

ClinVar aggregate classification (germline): Likely benign (0 of 4 stars; one submission).

Conditions:
MYORG-related disorder. Also called: MYORG-related condition.

Allele frequency attached by ClinVar (database versions not stated): ExAC 0.00005; gnomAD 0.00006; ESP Exome Variant Server 0.00008.
gnomAD v4.1: 178 of 1,613,096 alleles (0.011%); highest among the groups gnomAD compares: Non-Finnish European, 0.014%; no homozygotes.

Submission:

PreventionGenetics, part of Exact Sciences
Classification: Likely benign for MYORG-related condition. Last evaluated: 2019-05-15. Review status: no assertion criteria provided. Collection method: clinical testing. Allele origin: germline.
Comment: This variant is classified as likely benign based on ACMG/AMP sequence variant interpretation guidelines (Richards et al. 2015 PMID: 25741868, with internal and published modifications).

NM_020702.5(MYORG):c.1509G>C (p.Val503=)

Gene: MYORG (myogenesis regulating glycosidase; minus strand). Cytogenetic location: 9p13.3.
Variant type: single nucleotide variant.
Coding change: c.1509G>C on transcript NM_020702.5 (MANE Select); coding-DNA position 1509, G replaced by C.
Protein change: p.Val503=; no amino-acid change (valine 503 retained).
Molecular consequence: synonymous variant.
Genome position (GRCh38, 1-based): chr9:34,371,435, C>G on the plus strand (G>C on the coding strand, the complement: MYORG is on the minus strand). VCF-style: chr9-34371435-C-G. GRCh37 (hg19) VCF-style: chr9-34371433-C-G.
Identifiers: ClinVar variation 3042323 (VCV003042323.2), dbSNP rs371059520, ClinGen allele CA5032907.